The following is an entry in ClinVar:

ClinVar aggregate classification (germline): Likely pathogenic (1 of 4 stars; one submission).

Conditions:
Neuropathy, hereditary sensory, type 2C. Also called: Hereditary sensory and autonomic neuropathy type IIC; KIF1A-Related HSAN2 (HSAN2C). Identifiers: Orphanet 970, MedGen C3280168, MONDO:0013634, OMIM 614213.
Intellectual disability, autosomal dominant 9 (NESCAVS). Also called: KIF1A-Related Neurodevelopmental Disorder; NESCAV SYNDROME. Identifiers: Orphanet 662367, MedGen C5393830, MONDO:0013656, OMIM 614255.
Hereditary spastic paraplegia 30. Identifiers: Orphanet 101010, MedGen C5235139, MONDO:0012476.

Submission:

Labcorp Genetics (formerly Invitae), Labcorp
Classification: Likely pathogenic for Hereditary spastic paraplegia 30; Neuropathy, hereditary sensory, type 2C; Intellectual disability, autosomal dominant 9. Last evaluated: 2024-07-21. Review status: criteria provided, single submitter. Criteria: Invitae Variant Classification Sherloc (09022015). Collection method: clinical testing. Allele origin: germline.
Comment: This sequence change replaces arginine, which is basic and polar, with leucine, which is neutral and non-polar, at codon 11 of the KIF1A protein (p.Arg11Leu). This variant is not present in population databases (gnomAD no frequency). This variant has not been reported in the literature in individuals affected with KIF1A-related conditions. ClinVar contains an entry for this variant (Variation ID: 1001813). Advanced modeling of protein sequence and biophysical properties (such as structural, functional, and spatial information, amino acid conservation, physicochemical variation, residue mobility, and thermodynamic stability) performed at Invitae indicates that this missense variant is expected to disrupt KIF1A protein function with a positive predictive value of 95%. This variant disrupts the p.Arg11 amino acid residue in KIF1A. Other variant(s) that disrupt this residue have been determined to be pathogenic (PMID: 28832565, 31227335; Invitae). This suggests that this residue is clinically significant, and that variants that disrupt this residue are likely to be disease-causing. In summary, the currently available evidence indicates that the variant is pathogenic, but additional data are needed to prove that conclusively. Therefore, this variant has been classified as Likely Pathogenic.

Literature cited by the submitters: PubMed 28832565; PubMed 31227335.

NM_001244008.2(KIF1A):c.32G>T (p.Arg11Leu)

Gene: KIF1A (kinesin family member 1A; minus strand). Cytogenetic location: 2q37.3.
Variant type: single nucleotide variant.
Coding change: c.32G>T on transcript NM_001244008.2 (MANE Select); coding-DNA position 32, G replaced by T.
Protein change: p.Arg11Leu; replaces arginine 11 with leucine.
Molecular consequence: missense variant.
Genome position (GRCh38, 1-based): chr2:240,797,721, C>A on the plus strand (G>T on the coding strand, the complement: KIF1A is on the minus strand). VCF-style: chr2-240797721-C-A. GRCh37 (hg19) VCF-style: chr2-241737138-C-A.
Other names: c.32G>T, p.Arg11Leu (NM_001320705.2, NM_001330289.2, NM_001330290.2 and 20 more transcripts); short protein forms R11L.
Identifiers: ClinVar variation 1001813 (VCV001001813.9), dbSNP rs1575654528, ClinGen allele CA351315969.